The following is an entry in ClinVar:

ClinVar aggregate classification (germline): Pathogenic (1 of 4 stars; one submission).

Submission:

Labcorp Genetics (formerly Invitae), Labcorp
Classification: Pathogenic. Last evaluated: 2023-12-10. Review status: criteria provided, single submitter. Criteria: Invitae Variant Classification Sherloc (09022015). Collection method: clinical testing. Allele origin: germline.
Comment: This sequence change creates a premature translational stop signal (p.Gly505Glufs*5) in the F11 gene. It is expected to result in an absent or disrupted protein product. Loss-of-function variants in F11 are known to be pathogenic (PMID: 23929304). This variant is not present in population databases (gnomAD no frequency). This variant has not been reported in the literature in individuals affected with F11-related conditions. For these reasons, this variant has been classified as Pathogenic.

Literature cited by the submitters: PubMed 23929304.

NM_000128.4(F11):c.1512del (p.Gly505fs)

Genes: F11 (coagulation factor XI; plus strand), F11-AS1 (F11 antisense RNA 1; minus strand). Cytogenetic location: 4q35.2.
Variant type: Deletion.
Coding change: c.1512del on transcript NM_000128.4 (MANE Select); coding-DNA position 1512, one base deleted (A; older notation c.1512delA).
Protein change: p.Gly505fs; shifts the reading frame from glycine 505.
Molecular consequence: frameshift variant.
Genome position (GRCh38, 1-based): chr4:186,286,446, A deleted; the last of 3 consecutive A bases (chr4:186,286,444-186,286,446); deleting any one gives the same sequence. VCF-style (leftmost placement, unchanged base first): chr4-186286443-CA-C. GRCh37 (hg19) VCF-style: chr4-187207597-CA-C.
Other names: short protein forms G505fs.
Identifiers: ClinVar variation 3024032 (VCV003024032.3), dbSNP rs2477416919, ClinGen allele CA2740091616.
Genomic context (GRCh38, chr4:186,286,443, plus strand): 5'-CTCATATTTAAACCACGATTTTTTAAATTTAGATTCTCAACGACCCATATGCCTGCCTTC[CA>C]AAGGAGATAGAAATGTAATATACACTGATTGCTGGGTGACTGGATGGGGGTACAGAAAAC-3'